The following is an entry in ClinVar:

NM_001378183.1(PIEZO2):c.3756_3757+2del

Genes: MIR6788 (microRNA 6788; minus strand), PIEZO2 (piezo type mechanosensitive ion channel component 2; minus strand). Cytogenetic location: 18p11.22.
Variant type: Deletion.
Coding change: c.3756_3757+2del on transcript NM_001378183.1 (MANE Select); coding-DNA position 3756 through the canonical splice donor site of the intron after coding-DNA position 3757, 4 bases deleted (CTGT; older notation c.3756_3757+2delCTGT).
Molecular consequence: splice donor variant.
Genome position (GRCh38, 1-based): chr18:10,759,480-10,759,483, ACAG deleted on the plus strand (CTGT on the coding strand, the reverse complement: PIEZO2 is on the minus strand); deleting any 4 consecutive bases within chr18:10,759,480-10,759,485 gives the same sequence; the c. name uses the placement nearest the transcript's 3' end. VCF-style (leftmost placement, unchanged base first): chr18-10759479-TACAG-T. GRCh37 (hg19) VCF-style: chr18-10759477-TACAG-T.
Other names: c.3681_3682+2del (NM_022068.4).
Identifiers: ClinVar variation 1323454 (VCV001323454.6), dbSNP rs2143842283, ClinGen allele CA2573054620.
Genomic context (GRCh38, chr18:10,759,479, plus strand): 5'-GAACAATGATTAACAGTAAACCCGGATACCAGCACTCTGTGGCCCTGCAGTGGAAACACT[TACAG>T]ACGAGAAACACAGGGTTGGGCCGCACAATGAAATCTGGGAAGTACAGCCACTTTATGATG-3'

ClinVar aggregate classification (germline): Pathogenic/Likely pathogenic. Review status: criteria provided, multiple submitters, no conflicts (2 of 4 stars). 3 submissions from 3 submitters: Pathogenic (1); Likely pathogenic (2). Last evaluated 2025-09-25.

Conditions:
Arthrogryposis, distal, with impaired proprioception and touch (DAIPT). Identifiers: MedGen C4310692, MONDO:0014941, OMIM 617146.

Submissions (3):

First Genomix Gene Laboratory, Genetic Diagnostics Department
Classification: Likely pathogenic for Arthrogryposis, distal, with impaired proprioception and touch. Last evaluated: 2025-09-25. Review status: criteria provided, single submitter. Criteria: ACMG Guidelines, 2015. Collection method: clinical testing. Allele origin: germline. Inheritance: Autosomal recessive inheritance. Affected: no. Observed: 1 variant allele.

Institute of Medical Genetics and Applied Genomics, University Hospital Tübingen
Classification: Likely pathogenic for Arthrogryposis, distal, with impaired proprioception and touch. Last evaluated: 2022-08-05. Review status: criteria provided, single submitter. Criteria: ACMG Guidelines, 2015. Collection method: clinical testing. Allele origin: germline. Inheritance: Autosomal recessive inheritance. Affected: yes.

Revvity Omics, Revvity
Classification: Pathogenic. Last evaluated: 2020-06-30. Review status: criteria provided, single submitter. Criteria: ACMG Guidelines, 2015. Collection method: clinical testing. Allele origin: germline.